The following is an entry in ClinVar:

NM_001927.4(DES):c.864C>A (p.Asn288Lys)

Gene: DES (desmin; plus strand). Cytogenetic location: 2q35.
Variant type: single nucleotide variant.
Coding change: c.864C>A on transcript NM_001927.4 (MANE Select); coding-DNA position 864, C replaced by A.
Protein change: p.Asn288Lys; replaces asparagine 288 with lysine.
Molecular consequence: missense variant. On other transcripts: intron variant (1).
Genome position (GRCh38, 1-based): chr2:219,420,623, C>A. VCF-style: chr2-219420623-C-A. GRCh37 (hg19) VCF-style: chr2-220285345-C-A.
Other names: c.861C>A, p.Asn287Lys (NM_001382708.1); c.864C>A, p.Asn288Lys (NM_001382710.1, NM_001382711.1, NM_001382712.1); c.594C>A, p.Asn198Lys (NM_001382713.1); c.735+277C>A (NM_001382709.1); c.864C>A (NM_001927.3); short protein forms N198K, N287K, N288K.
Identifiers: ClinVar variation 1677711 (VCV001677711.3), dbSNP rs1954421395, ClinGen allele CA350691670.

ClinVar aggregate classification (germline): Uncertain significance. Review status: criteria provided, multiple submitters, no conflicts (2 of 4 stars). 3 submissions from 3 submitters: Uncertain significance (3). Last evaluated 2025-04-14.

Conditions:
Cardiovascular phenotype. Identifiers: MedGen CN230736.

Allele frequency attached by ClinVar (database versions not stated): TOPMed below 0.00001; gnomAD exomes below 0.00001.
gnomAD v4.1: 1 of 1,614,028 alleles (0.000062%); highest among the groups gnomAD compares: Middle Eastern, 0.016%; no homozygotes.

Submissions (3):

Revvity Omics, Revvity
Classification: Uncertain significance. Last evaluated: 2025-04-14. Review status: criteria provided, single submitter. Criteria: ACMG Guidelines, 2015. Collection method: clinical testing. Allele origin: germline.

Ambry Genetics
Classification: Uncertain significance for Cardiovascular phenotype. Last evaluated: 2023-12-30. Review status: criteria provided, single submitter. Criteria: Ambry Variant Classification Scheme 2023. Collection method: clinical testing. Allele origin: germline.
Comment: The p.N288K variant (also known as c.864C>A), located in coding exon 4 of the DES gene, results from a C to A substitution at nucleotide position 864. The asparagine at codon 288 is replaced by lysine, an amino acid with similar properties. This amino acid position is conserved. In addition, the in silico prediction for this alteration is inconclusive. Since supporting evidence is limited at this time, the clinical significance of this alteration remains unclear.

AiLife Diagnostics
Classification: Uncertain significance. Last evaluated: 2021-12-16. Review status: criteria provided, single submitter. Criteria: ACMG Guidelines, 2015. Collection method: clinical testing. Allele origin: germline. Affected: yes. Observed: 1 variant allele.